The following is an entry in ClinVar:

NM_004329.3(BMPR1A):c.1572G>C (p.Met524Ile)

Gene: BMPR1A (bone morphogenetic protein receptor type 1A; plus strand). Cytogenetic location: 10q23.2.
Variant type: single nucleotide variant.
Coding change: c.1572G>C on transcript NM_004329.3 (MANE Select); coding-DNA position 1572, G replaced by C.
Protein change: p.Met524Ile; replaces methionine 524 with isoleucine.
Molecular consequence: missense variant.
Genome position (GRCh38, 1-based): chr10:86,923,692, G>C. VCF-style: chr10-86923692-G-C. GRCh37 (hg19) VCF-style: chr10-88683449-G-C.
Other names: short protein forms M524I.
Identifiers: ClinVar variation 923156 (VCV000923156.11), dbSNP rs1064793404, ClinGen allele CA377464006.

ClinVar aggregate classification (germline): Uncertain significance. Review status: criteria provided, multiple submitters, no conflicts (2 of 4 stars). 3 submissions from 3 submitters: Uncertain significance (3). Last evaluated 2026-06-08.

Conditions:
Juvenile polyposis syndrome (JPS). Identifiers: Orphanet 2929, MedGen C0345893, MONDO:0017380, OMIM 174900.
Hereditary cancer-predisposing syndrome. Also called: Hereditary Cancer Syndrome; Neoplastic Syndromes, Hereditary; Tumor predisposition; Hereditary neoplastic syndrome. Identifiers: Orphanet 140162, MedGen C0027672, MeSH D009386, MONDO:0015356.

Submissions (3):

Ambry Genetics
Classification: Uncertain significance for Hereditary cancer-predisposing syndrome. Last evaluated: 2026-06-08. Review status: criteria provided, single submitter. Criteria: Ambry Variant Classification Scheme 2023. Collection method: clinical testing. Allele origin: germline.
Comment: The p.M524I variant (also known as c.1572G>C), located in coding exon 11 of the BMPR1A gene, results from a G to C substitution at nucleotide position 1572. The methionine at codon 524 is replaced by isoleucine, an amino acid with highly similar properties. This amino acid position is conserved. In addition, the in silico prediction for this alteration is inconclusive. Based on the available evidence, the clinical significance of this variant remains unclear.

Color Diagnostics, LLC DBA Color Health
Classification: Uncertain significance for Hereditary cancer-predisposing syndrome. Last evaluated: 2023-12-04. Review status: criteria provided, single submitter. Criteria: ACMG Guidelines, 2015. Collection method: clinical testing. Allele origin: germline.
Comment: This missense variant replaces methionine with isoleucine at codon 524 of the BMPR1A protein. Computational prediction tools and conservation analyses are inconclusive regarding the impact of this variant on the protein function. Computational splicing tools suggest that this variant may not impact RNA splicing. To our knowledge, functional assays have not been performed for this variant nor has this variant been reported in individuals affected with hereditary cancer in the literature. This variant has not been identified in the general population by the Genome Aggregation Database (gnomAD). Available evidence is insufficient to determine the role of this variant in disease conclusively. Therefore, this variant is classified as a Variant of Uncertain Significance.

Labcorp Genetics (formerly Invitae), Labcorp
Classification: Uncertain significance for Juvenile polyposis syndrome. Last evaluated: 2022-05-30. Review status: criteria provided, single submitter. Criteria: Invitae Variant Classification Sherloc (09022015). Collection method: clinical testing. Allele origin: germline.
Comment: This sequence change replaces methionine, which is neutral and non-polar, with isoleucine, which is neutral and non-polar, at codon 524 of the BMPR1A protein (p.Met524Ile). This variant is not present in population databases (gnomAD no frequency). This variant has not been reported in the literature in individuals affected with BMPR1A-related conditions. ClinVar contains an entry for this variant (Variation ID: 923156). Advanced modeling of protein sequence and biophysical properties (such as structural, functional, and spatial information, amino acid conservation, physicochemical variation, residue mobility, and thermodynamic stability) performed at Invitae indicates that this missense variant is not expected to disrupt BMPR1A protein function. In summary, the available evidence is currently insufficient to determine the role of this variant in disease. Therefore, it has been classified as a Variant of Uncertain Significance.